The following is an entry in ClinVar:

NM_024426.6(WT1):c.658C>T (p.Gln220Ter)

Genes: WT1 (WT1 transcription factor; minus strand), LOC107982234 (WT1/WT1-AS bi-directional promoter region; plus strand). Cytogenetic location: 11p13.
Variant type: single nucleotide variant.
Coding change: c.658C>T on transcript NM_024426.6 (MANE Select); coding-DNA position 658, C replaced by T.
Protein change: p.Gln220Ter; replaces glutamine 220 with a stop codon.
Molecular consequence: nonsense. On other transcripts: non-coding transcript variant (2).
Genome position (GRCh38, 1-based): chr11:32,434,703, G>A on the plus strand (C>T on the coding strand, the complement: WT1 is on the minus strand). VCF-style: chr11-32434703-G-A. GRCh37 (hg19) VCF-style: chr11-32456249-G-A.
Other names: c.658C>T, p.Gln220Ter (NM_000378.6, NM_001407044.1, NM_001407045.1 and 6 more transcripts); c.439C>T, p.Gln147Ter (NM_001429031.1, NM_001429032.1, NM_001429033.1 and 1 more transcripts); short protein forms Q147*, Q215*, Q220*.
Identifiers: ClinVar variation 3900775 (VCV003900775.2).

ClinVar aggregate classification (germline): Pathogenic. Review status: criteria provided, multiple submitters, no conflicts (2 of 4 stars). 2 submissions from 2 submitters: Pathogenic (2). Last evaluated 2024-12-19.

Conditions:
Wilms tumor 1 (WT1). Also called: Wilms tumor, somatic. Identifiers: Orphanet 654, MedGen CN033288, MONDO:0008679, OMIM 194070.

Submissions (2):

Centro de Investigaciones Endocrinológicas “Dr. César Bergadá” (CEDIE), Unidad de Investigacion Traslacional (UIT), Hospital de Niños Dr. Ricardo Gutiérrez
Classification: Pathogenic for Wilms tumor 1. Last evaluated: 2024-12-19. Review status: criteria provided, single submitter. Criteria: Institutional Variant Interpretation Framework ClinVar CEDIE Version 1. Collection method: clinical testing. Allele origin: germline. Affected: yes. Observed: 2 variant alleles.
Comment: The variant, found in heterozygosis, is a cytosine-to-thymine transition in exon 1, NM_024426.6:c.658C>T. This variant predicts a nonsense change, resulting in the appearance of a premature termination codon in the protein: NP_077744.4:p.(Gln220*). The affected allele may not be expressed due to mRNA degradation by a mechanism known as Nonsense Mediated Decay (NMD), or it may produce a truncated and altered protein (PVS1). The variant is reported in the dbSNP database (rs373935628) and is absent in population databases such as GnomAD-exomes/genomes (PM2_supp). The variant is classified as pathogenic according to ACMG criteria.

GeneDx
Classification: Pathogenic. Last evaluated: 2024-11-25. Review status: criteria provided, single submitter. Criteria: GeneDx Variant Classification Process June 2021. Collection method: clinical testing. Allele origin: germline. Affected: yes.
Comment: Nonsense variant predicted to result in protein truncation or nonsense mediated decay in a gene for which loss of function is a known mechanism of disease; Not observed at significant frequency in large population cohorts (gnomAD); Has not been previously published as pathogenic or benign in association with WT1-related disorder to our knowledge; This variant is associated with the following publications: (PMID: 30632861)